The following is an entry in ClinVar:

ClinVar aggregate classification (germline): Conflicting classifications of pathogenicity. Review status: criteria provided, conflicting classifications (1 of 4 stars). 3 submissions from 3 submitters: Likely pathogenic (1); Uncertain significance (1); Likely benign (1). Last evaluated 2025-07-01.

Conditions:
Neuronopathy, distal hereditary motor, type 2D. Also called: NEURONOPATHY, DISTAL HEREDITARY MOTOR, AUTOSOMAL DOMINANT 6; NEURONOPATHY, DISTAL HEREDITARY MOTOR, HARDING TYPE IID; NEUROPATHY, DISTAL HEREDITARY MOTOR, HARDING TYPE IID; HMN IID; SPINAL MUSCULAR ATROPHY, DISTAL, AUTOSOMAL DOMINANT, CALF-PREDOMINANT. Identifiers: Orphanet 139525, MedGen C3888271, MONDO:0014259, OMIM 615575.
Distal hereditary motor neuropathy type 2. Identifiers: Orphanet 139525, MedGen C3711384, MeSH C580044, MONDO:0015352.

Allele frequency attached by ClinVar (database versions not stated): gnomAD 0.00003 and 0.00004; ExAC 0.00007; gnomAD exomes 0.00007 and 0.00010; TOPMed 0.00009; ESP Exome Variant Server 0.00015.
gnomAD v4.1: 109 of 1,613,748 alleles (0.0068%); highest among the groups gnomAD compares: Middle Eastern, 0.05%; 1 homozygote.

Submissions (3):

Mayo Clinic Laboratories, Mayo Clinic
Classification: Likely benign. Last evaluated: 2025-07-01. Review status: criteria provided, single submitter. Criteria: ACMG Guidelines, 2015. Collection method: clinical testing. Allele origin: germline. Observed: 2 variant alleles.
Comment: BS2, BP4_moderate

Labcorp Genetics (formerly Invitae), Labcorp
Classification: Uncertain significance for Distal hereditary motor neuropathy type 2. Last evaluated: 2025-06-30. Review status: criteria provided, single submitter. Criteria: Invitae Variant Classification Sherloc (09022015). Collection method: clinical testing. Allele origin: germline.
Comment: This sequence change replaces arginine, which is basic and polar, with glutamine, which is neutral and polar, at codon 526 of the FBXO38 protein (p.Arg526Gln). This variant is present in population databases (rs376255193, gnomAD 0.03%). This missense change has been observed in individual(s) with distal hereditary motor neuropathy and juvenile motor neuron disease (PMID: 31420593, 32579787). ClinVar contains an entry for this variant (Variation ID: 656377). Invitae Evidence Modeling of protein sequence and biophysical properties (such as structural, functional, and spatial information, amino acid conservation, physicochemical variation, residue mobility, and thermodynamic stability) indicates that this missense variant is not expected to disrupt FBXO38 protein function with a negative predictive value of 80%. In summary, the available evidence is currently insufficient to determine the role of this variant in disease. Therefore, it has been classified as a Variant of Uncertain Significance.

Suna and Inan Kirac Foundation Neurodegeneration Research Laboratory, Koc University
Classification: Likely pathogenic for Neuronopathy, distal hereditary motor, type 2D. Last evaluated: 2020-03-31. Review status: criteria provided, single submitter. Criteria: ACMG Guidelines, 2015. Collection method: research. Allele origin: germline. Affected: yes. Observed: 1 variant allele.

Literature cited by the submitters: PubMed 31420593 (cited by Mayo Clinic Laboratories, Mayo Clinic and Labcorp Genetics (formerly Invitae), Labcorp); PubMed 32579787 (cited by Mayo Clinic Laboratories, Mayo Clinic and Labcorp Genetics (formerly Invitae), Labcorp); PubMed 34426522 (cited by Mayo Clinic Laboratories, Mayo Clinic).

NM_205836.3(FBXO38):c.1577G>A (p.Arg526Gln)

Gene: FBXO38 (F-box protein 38; plus strand). Cytogenetic location: 5q32.
Variant type: single nucleotide variant.
Coding change: c.1577G>A on transcript NM_205836.3 (MANE Select); coding-DNA position 1577, G replaced by A.
Protein change: p.Arg526Gln; replaces arginine 526 with glutamine.
Molecular consequence: missense variant.
Genome position (GRCh38, 1-based): chr5:148,417,163, G>A. VCF-style: chr5-148417163-G-A. GRCh37 (hg19) VCF-style: chr5-147796726-G-A.
Other names: p.Arg526Gln; c.1577G>A, p.Arg526Gln (NM_001271723.2, NM_030793.5); short protein forms R526Q.
Identifiers: ClinVar variation 656377 (VCV000656377.14), dbSNP rs376255193, ClinGen allele CA3497310.